The following is an entry in ClinVar:

ClinVar aggregate classification (germline): Pathogenic (1 of 4 stars; one submission).

Conditions:
Polycystic kidney disease, adult type (PKD1). Also called: Polycystic Kidney Disease 1, Autosomal Dominant; Polycystic kidney disease 1; Polycystic kidney disease 1, severe; Polycystic Kidney, Autosomal Dominant; POLYCYSTIC KIDNEY DISEASE 1 WITH OR WITHOUT POLYCYSTIC LIVER DISEASE; POLYCYSTIC KIDNEY DISEASE, ADULT, TYPE I. Identifiers: MedGen C3149841, MONDO:0008263, OMIM 173900.

Submission:

Women's Health and Genetics/Laboratory Corporation of America, LabCorp
Classification: Pathogenic for Polycystic kidney disease, adult type. Last evaluated: 2025-06-16. Review status: criteria provided, single submitter. Criteria: LabCorp Variant Classification Summary - May 2015. Collection method: clinical testing. Allele origin: germline.
Comment: Variant summary: PKD1 c.4219_4220dupCC (p.Phe1408ArgfsX25) results in a premature termination codon, predicted to cause a truncation of the encoded protein or absence of the protein due to nonsense mediated decay, which are commonly known mechanisms for disease. The variant was absent in 247236 control chromosomes. To our knowledge, no occurrence of c.4219_4220dupCC in individuals affected with Polycystic Kidney Disease 1 and no experimental evidence demonstrating its impact on protein function have been reported. No submitters have cited clinical-significance assessments for this variant to ClinVar. Based on the evidence outlined above, the variant was classified as pathogenic.

NM_001009944.3(PKD1):c.4219_4220dup (p.Phe1408fs)

Gene: PKD1 (polycystin 1, transient receptor potential channel interacting; minus strand). Cytogenetic location: 16p13.3.
Variant type: Duplication.
Coding change: c.4219_4220dup on transcript NM_001009944.3 (MANE Select); coding-DNA positions 4219 to 4220, 2 bases duplicated (CC; older notation c.4219_4220dupCC).
Protein change: p.Phe1408fs; shifts the reading frame from phenylalanine 1408.
Molecular consequence: frameshift variant.
Genome position (GRCh38, 1-based): chr16:2,110,947-2,110,948, GG duplicated on the plus strand (CC on the coding strand, the reverse complement: PKD1 is on the minus strand); duplicating any 2 consecutive bases within chr16:2,110,947-2,110,951 gives the same sequence; the c. name uses the placement nearest the transcript's 3' end. VCF-style (leftmost placement, unchanged base first): chr16-2110946-C-CGG. GRCh37 (hg19) VCF-style: chr16-2160947-C-CGG.
Other names: c.4219_4220dupCC (NM_001009944.3); c.4219_4220dup, p.Phe1408fs (NM_000296.4); short protein forms F1408fs.
Identifiers: ClinVar variation 3907109 (VCV003907109.1).